The following is an entry in ClinVar:

ClinVar aggregate classification (germline): Likely pathogenic (1 of 4 stars; one submission).

Submission:

GeneDx
Classification: Likely pathogenic. Last evaluated: 2016-08-19. Review status: criteria provided, single submitter. Criteria: GeneDx Variant Classification (06012015). Collection method: clinical testing. Allele origin: germline. Affected: yes.
Comment: This deletion of one nucleotide in PALB2 is denoted c.1048delC at the cDNA level and p.Gln350LysfsX6 (Q350KfsX6) at the protein level. The normal sequence, with the base that is deleted in braces, is AAAT[C]AAAC. The deletion causes a frameshift which changes a Glutamine to a Lysine at codon 350, and creates a premature stop codon at position 6 of the new reading frame. Although this variant has not, to our knowledge, been reported in the literature, it is predicted to cause loss of normal protein function through either protein truncation or nonsense-mediated mRNA decay. Based on the currently available information, we consider this deletion to be a likely pathogenic variant.

NM_024675.4(PALB2):c.1048del (p.Gln350fs)

Gene: PALB2 (partner and localizer of BRCA2; minus strand). Cytogenetic location: 16p12.2.
Variant type: Deletion.
Coding change: c.1048del on transcript NM_024675.4 (MANE Select); coding-DNA position 1048, one base deleted (C; older notation c.1048delC).
Protein change: p.Gln350fs; shifts the reading frame from glutamine 350.
Molecular consequence: frameshift variant.
Genome position (GRCh38, 1-based): chr16:23,635,498, G deleted on the plus strand (C on the coding strand, the reverse complement: PALB2 is on the minus strand). VCF-style (leftmost placement, unchanged base first): chr16-23635497-TG-T. GRCh37 (hg19) VCF-style: chr16-23646818-TG-T.
Other names: c.1048delC (NM_024675.3); short protein forms Q350fs.
Identifiers: ClinVar variation 265693 (VCV000265693.2), dbSNP rs886039738, ClinGen allele CA10588612.
Genomic context (GRCh38, chr16:23,635,497, plus strand): 5'-TGAAGATTTTCATTCCTGCCATCAAGAGTGTCACTGGGAGATTTTAAAGATTTCTCTGTT[TG>T]ATTTTGTTCTTTTAAGTTTTGGTTTTCATTTGCTGGTAAGTTATTGTAGGTGAGTTCATT-3'